The following is an entry in ClinVar:

ClinVar aggregate classification (germline): Pathogenic (1 of 4 stars; one submission).

Conditions:
Hereditary cancer-predisposing syndrome. Also called: Tumor predisposition; Hereditary Cancer Syndrome; Hereditary neoplastic syndrome; Neoplastic Syndromes, Hereditary. Identifiers: Orphanet 140162, MedGen C0027672, MeSH D009386, MONDO:0015356.

Submission:

Ambry Genetics
Classification: Pathogenic for Hereditary cancer-predisposing syndrome. Last evaluated: 2025-12-18. Review status: criteria provided, single submitter. Criteria: Ambry Variant Classification Scheme 2023. Collection method: clinical testing. Allele origin: germline.
Comment: The c.1531dupA pathogenic mutation, located in coding exon 13 of the TSC1 gene, results from a duplication of A at nucleotide position 1531, causing a translational frameshift with a predicted alternate stop codon (p.S511Kfs*24). This variant was reported in individual(s) with features consistent with tuberous sclerosis complex (Gall K et al. PLoS One, 2021 Sep;16:e0255933). This variant is considered to be rare based on population cohorts in the Genome Aggregation Database (gnomAD). This alteration is expected to result in loss of function by premature protein truncation or nonsense-mediated mRNA decay. As such, this alteration is interpreted as a disease-causing mutation.

Literature cited by the submitters: PubMed 34469436.

NM_000368.5(TSC1):c.1531dup (p.Ser511fs)

Gene: TSC1 (TSC complex subunit 1; minus strand). Cytogenetic location: 9q34.13.
Variant type: Duplication.
Coding change: c.1531dup on transcript NM_000368.5 (MANE Select); coding-DNA position 1531, one base duplicated (A; older notation c.1531dupA).
Protein change: p.Ser511fs; shifts the reading frame from serine 511.
Molecular consequence: frameshift variant.
Genome position (GRCh38, 1-based): chr9:132,906,047, T duplicated on the plus strand (A on the coding strand, the reverse complement: TSC1 is on the minus strand). VCF-style (leftmost placement, unchanged base first): chr9-132906046-C-CT. GRCh37 (hg19) VCF-style: chr9-135781433-C-CT.
Other names: c.1528dup, p.Ser510fs (NM_001162426.2); c.1378dup, p.Ser460fs (NM_001162427.2); c.1168dup, p.Ser390fs (NM_001362177.2); c.1531dupA (NM_000368.4); short protein forms S511fs, S460fs, S510fs, S390fs.
Identifiers: ClinVar variation 974575 (VCV000974575.2), dbSNP rs1845652182, ClinGen allele CA1139661281.